The following is an entry in ClinVar:

NM_000256.3(MYBPC3):c.1790+1G>A

Gene: MYBPC3 (myosin binding protein C3; minus strand). Cytogenetic location: 11p11.2.
Variant type: single nucleotide variant.
Coding change: c.1790+1G>A on transcript NM_000256.3 (MANE Select); the canonical splice donor site of the intron after coding-DNA position 1790, G replaced by A.
Molecular consequence: splice donor variant.
Genome position (GRCh38, 1-based): chr11:47,341,990, C>T on the plus strand (G>A on the coding strand, the complement: MYBPC3 is on the minus strand). VCF-style: chr11-47341990-C-T. GRCh37 (hg19) VCF-style: chr11-47363541-C-T.
Other names: c.1790+1G>A (LRG_386t1).
Identifiers: ClinVar variation 525038 (VCV000525038.13), dbSNP rs1555122053, ClinGen allele CA380324153.

ClinVar aggregate classification (germline): Pathogenic/Likely pathogenic. Review status: criteria provided, multiple submitters, no conflicts (2 of 4 stars). 3 submissions from 3 submitters: Pathogenic (1); Likely pathogenic (2). Last evaluated 2025-07-29.

Conditions:
Primary familial hypertrophic cardiomyopathy (HCM). Identifiers: Orphanet 99739, MedGen C0949658, MeSH D024741, MONDO:0024573. Inheritance: Various modes of inheritance.
Hypertrophic cardiomyopathy. Also called: HYPERTROPHIC MYOCARDIOPATHY. Identifiers: Orphanet 217569, MedGen C0007194, MeSH D002312, MONDO:0005045, HP:0001639.
Cardiovascular phenotype. Identifiers: MedGen CN230736.

Submissions (3):

Labcorp Genetics (formerly Invitae), Labcorp
Classification: Pathogenic for Hypertrophic cardiomyopathy. Last evaluated: 2025-07-29. Review status: criteria provided, single submitter. Criteria: Invitae Variant Classification Sherloc (09022015). Collection method: clinical testing. Allele origin: germline.
Comment: This sequence change affects a donor splice site in intron 18 of the MYBPC3 gene. It is expected to disrupt RNA splicing. Variants that disrupt the donor or acceptor splice site typically lead to a loss of protein function (PMID: 16199547), and loss-of-function variants in MYBPC3 are known to be pathogenic (PMID: 19574547). This variant is not present in population databases (gnomAD no frequency). Disruption of this splice site has been observed in individuals with hypertrophic cardiomyopathy (PMID: 22857948; internal data). ClinVar contains an entry for this variant (Variation ID: 525038). Algorithms developed to predict the effect of sequence changes on RNA splicing suggest that this variant may disrupt the consensus splice site. For these reasons, this variant has been classified as Pathogenic.

Women's Health and Genetics/Laboratory Corporation of America, LabCorp
Classification: Likely pathogenic for Primary familial hypertrophic cardiomyopathy. Last evaluated: 2023-06-19. Review status: criteria provided, single submitter. Criteria: LabCorp Variant Classification Summary - May 2015. Collection method: clinical testing. Allele origin: germline.
Comment: Variant summary: MYBPC3 c.1790+1G>A is located in a canonical splice-site and is predicted to affect mRNA splicing resulting in a significantly altered protein due to either exon skipping, shortening, or inclusion of intronic material. Several computational tools predict a significant impact on normal splicing: Four predict the variant abolishes the canonical 5' splicing donor site. However, these predictions have yet to be confirmed by functional studies. The variant was absent in 166884 control chromosomes (gnomAD). c.1790+1G>A has been reported in the literature in an individual affected with Hypertrophic Cardiomyopathy (Olivotto_2008). These data do not allow any definitive conclusion about variant significance. To our knowledge, no experimental evidence demonstrating an impact on protein function has been reported. The following publication has been ascertained in the context of this evaluation (PMID: 18533079). Two clinical diagnostic laboratories have submitted clinical-significance assessments for this variant to ClinVar after 2014 and both classified the variant as pathogenic (n=1)/likely pathogenic (n=1). Based on the evidence outlined above, the variant was classified as likely pathogenic.

Ambry Genetics
Classification: Likely pathogenic for Cardiovascular phenotype. Last evaluated: 2022-08-31. Review status: criteria provided, single submitter. Criteria: Ambry Variant Classification Scheme 2023. Collection method: clinical testing. Allele origin: germline.
Comment: The c.1790+1G>A intronic variant results from a G to A substitution one nucleotide after coding exon 18 of the MYBPC3 gene. This variant is considered to be rare based on population cohorts in the Genome Aggregation Database (gnomAD). This nucleotide position is highly conserved in available vertebrate species. In silico splice site analysis predicts that this alteration will weaken the native splice donor site and will result in the creation or strengthening of a novel splice donor site. Alterations that disrupt the canonical splice site are expected to cause aberrant splicing, resulting in an abnormal protein or a transcript that is subject to nonsense-mediated mRNA decay. As such, this alteration is classified as likely pathogenic.

Literature cited by the submitters: PubMed 16199547 (cited by Labcorp Genetics (formerly Invitae), Labcorp); PubMed 19574547 (cited by Labcorp Genetics (formerly Invitae), Labcorp); PubMed 22857948 (cited by Labcorp Genetics (formerly Invitae), Labcorp); PubMed 18533079 (cited by Women's Health and Genetics/Laboratory Corporation of America, LabCorp).